The following is an entry in ClinVar:

NM_021224.6(ZNF462):c.197T>G (p.Phe66Cys)

Gene: ZNF462 (zinc finger protein 462; plus strand). Cytogenetic location: 9q31.2.
Variant type: single nucleotide variant.
Coding change: c.197T>G on transcript NM_021224.6 (MANE Select); coding-DNA position 197, T replaced by G.
Protein change: p.Phe66Cys; replaces phenylalanine 66 with cysteine.
Molecular consequence: missense variant.
Genome position (GRCh38, 1-based): chr9:106,923,580, T>G. VCF-style: chr9-106923580-T-G. GRCh37 (hg19) VCF-style: chr9-109685861-T-G.
Other names: c.197T>G, p.Phe66Cys (NM_001347997.2); short protein forms F66C.
Identifiers: ClinVar variation 4527609 (VCV004527609.2).

ClinVar aggregate classification (germline): Uncertain significance (1 of 4 stars; one submission).

Submission:

GeneDx
Classification: Uncertain significance. Last evaluated: 2026-04-01. Review status: criteria provided, single submitter. Criteria: GeneDx Variant Classification Process June 2021. Collection method: clinical testing. Allele origin: germline.
Comment: Not observed at significant frequency in large population cohorts (gnomAD); In silico analysis suggests that this missense variant does not alter protein structure/function; Has not been previously published as pathogenic or benign to our knowledge